The following is an entry in ClinVar:

ClinVar aggregate classification (germline): Uncertain significance (1 of 4 stars; one submission).

Conditions:
Nephronophthisis. Also called: Juvenile Nephronophthisis. Identifiers: Orphanet 655, MedGen C0687120, MONDO:0019005, HP:0000090.

Allele frequency attached by ClinVar (database versions not stated): ExAC 0.00001; gnomAD 0.00001; TOPMed 0.00002.
gnomAD v4.1: 1 of 1,613,796 alleles (0.000062%); highest among the groups gnomAD compares: African/African-American, 0.0013%; no homozygotes.

Submission:

Labcorp Genetics (formerly Invitae), Labcorp
Classification: Uncertain significance for Nephronophthisis. Last evaluated: 2023-11-10. Review status: criteria provided, single submitter. Criteria: Invitae Variant Classification Sherloc (09022015). Collection method: clinical testing. Allele origin: germline.
Comment: This sequence change replaces methionine, which is neutral and non-polar, with isoleucine, which is neutral and non-polar, at codon 400 of the INVS protein (p.Met400Ile). This variant is present in population databases (rs770939282, gnomAD 0.007%). This variant has not been reported in the literature in individuals affected with INVS-related conditions. An algorithm developed to predict the effect of missense changes on protein structure and function (PolyPhen-2) suggests that this variant is likely to be disruptive. In summary, the available evidence is currently insufficient to determine the role of this variant in disease. Therefore, it has been classified as a Variant of Uncertain Significance.

NM_014425.5(INVS):c.1200G>A (p.Met400Ile)

Gene: INVS (inversin; plus strand). Cytogenetic location: 9q31.1.
Variant type: single nucleotide variant.
Coding change: c.1200G>A on transcript NM_014425.5 (MANE Select); coding-DNA position 1200, G replaced by A.
Protein change: p.Met400Ile; replaces methionine 400 with isoleucine.
Molecular consequence: missense variant. On other transcripts: non-coding transcript variant (1).
Genome position (GRCh38, 1-based): chr9:100,252,404, G>A. VCF-style: chr9-100252404-G-A. GRCh37 (hg19) VCF-style: chr9-103014686-G-A.
Other names: c.912G>A, p.Met304Ile (NM_001318381.2); c.222G>A, p.Met74Ile (NM_001318382.2); short protein forms M400I, M74I, M304I.
Identifiers: ClinVar variation 2913019 (VCV002913019.3), dbSNP rs770939282, ClinGen allele CA5158344.